The following is an entry in ClinVar:

ClinVar aggregate classification (germline): Uncertain significance (1 of 4 stars; one submission).

Conditions:
Multiple congenital exostosis (EXT). Also called: Hereditary multiple osteochondromas; MULTIPLE CARTILAGINOUS EXOSTOSES; Multiple exostoses; Hereditary multiple exostoses; Hereditary multiple exostosis; Multiple osteochondromas. Identifiers: Orphanet 321, MedGen C0015306, MONDO:0005508, HP:0002762.

Submission:

Labcorp Genetics (formerly Invitae), Labcorp
Classification: Uncertain significance for Multiple congenital exostosis. Last evaluated: 2022-07-05. Review status: criteria provided, single submitter. Criteria: Invitae Variant Classification Sherloc (09022015). Collection method: clinical testing. Allele origin: germline.
Comment: In summary, the available evidence is currently insufficient to determine the role of this variant in disease. Therefore, it has been classified as a Variant of Uncertain Significance. Advanced modeling of protein sequence and biophysical properties (such as structural, functional, and spatial information, amino acid conservation, physicochemical variation, residue mobility, and thermodynamic stability) performed at Invitae indicates that this missense variant is expected to disrupt EXT1 protein function. ClinVar contains an entry for this variant (Variation ID: 1370051). This variant has not been reported in the literature in individuals affected with EXT1-related conditions. This variant is not present in population databases (gnomAD no frequency). This sequence change replaces cysteine, which is neutral and slightly polar, with tyrosine, which is neutral and polar, at codon 152 of the EXT1 protein (p.Cys152Tyr).

NM_000127.3(EXT1):c.455G>A (p.Cys152Tyr)

Gene: EXT1 (exostosin glycosyltransferase 1; minus strand). Cytogenetic location: 8q24.11.
Variant type: single nucleotide variant.
Coding change: c.455G>A on transcript NM_000127.3 (MANE Select); coding-DNA position 455, G replaced by A.
Protein change: p.Cys152Tyr; replaces cysteine 152 with tyrosine.
Molecular consequence: missense variant.
Genome position (GRCh38, 1-based): chr8:118,110,592, C>T on the plus strand (G>A on the coding strand, the complement: EXT1 is on the minus strand). VCF-style: chr8-118110592-C-T. GRCh37 (hg19) VCF-style: chr8-119122831-C-T.
Other names: short protein forms C152Y.
Identifiers: ClinVar variation 1370051 (VCV001370051.6), dbSNP rs2130043370, ClinGen allele CA371915809.